The following is an entry in ClinVar:

ClinVar aggregate classification (germline): Benign/Likely benign. Review status: criteria provided, multiple submitters, no conflicts (2 of 4 stars). 3 submissions from 3 submitters: Benign (1); Likely benign (2). Last evaluated 2025-11-15.

Conditions:
Renal cell carcinoma. Identifiers: Orphanet 217071, MedGen C0007134, MeSH D002292, MONDO:0005086, HP:0005584.
Hereditary cancer-predisposing syndrome. Also called: Hereditary Cancer Syndrome; Tumor predisposition; Neoplastic Syndromes, Hereditary; Hereditary neoplastic syndrome. Identifiers: Orphanet 140162, MedGen C0027672, MeSH D009386, MONDO:0015356.
Papillary renal cell carcinoma type 1 (RCCP1). Also called: RENAL CELL CARCINOMA, PAPILLARY, 1, SOMATIC; Renal adenocarcinoma; Renal cell carcinoma 1; Renal cell carcinoma, somatic. Identifiers: Orphanet 47044, MedGen C1336839, OMIM 605074, HP:0011797.

Submissions (3):

Ambry Genetics
Classification: Likely benign for Hereditary cancer-predisposing syndrome. Last evaluated: 2025-11-15. Review status: criteria provided, single submitter. Criteria: Ambry Variant Classification Scheme 2023. Collection method: clinical testing. Allele origin: germline.

Myriad Genetics, Inc.
Classification: Benign for Papillary renal cell carcinoma type 1. Last evaluated: 2024-11-08. Review status: criteria provided, single submitter. Criteria: Myriad Autosomal Dominant, Autosomal Recessive and X-Linked Classification Criteria (2023). Collection method: clinical testing. Allele origin: unknown.
Comment: This variant is considered benign. This variant is a silent/synonymous amino acid change and it is not expected to impact splicing.

Labcorp Genetics (formerly Invitae), Labcorp
Classification: Likely benign for Renal cell carcinoma. Last evaluated: 2023-04-25. Review status: criteria provided, single submitter. Criteria: Invitae Variant Classification Sherloc (09022015). Collection method: clinical testing. Allele origin: germline.

NM_000245.4(MET):c.1989G>T (p.Ser663=)

Gene: MET (MET proto-oncogene, receptor tyrosine kinase; plus strand). Cytogenetic location: 7q31.2.
Variant type: single nucleotide variant.
Coding change: c.1989G>T on transcript NM_000245.4 (MANE Select); coding-DNA position 1989, G replaced by T.
Protein change: p.Ser663=; no amino-acid change (serine 663 retained).
Molecular consequence: synonymous variant.
Genome position (GRCh38, 1-based): chr7:116,757,661, G>T. VCF-style: chr7-116757661-G-T. GRCh37 (hg19) VCF-style: chr7-116397715-G-T.
Other names: c.1989G>T (NM_001127500.1); c.1989G>T, p.Ser663= (NM_001127500.3, NM_001324401.3); c.699G>T, p.Ser233= (NM_001324402.2).
Identifiers: ClinVar variation 1573430 (VCV001573430.10), dbSNP rs201180585, ClinGen allele CA457216484.